The following is an entry in ClinVar:

ClinVar aggregate classification (germline): Uncertain significance (1 of 4 stars; one submission).

Submission:

GeneDx
Classification: Uncertain significance. Last evaluated: 2021-06-11. Review status: criteria provided, single submitter. Criteria: GeneDx Variant Classification Process June 2021. Collection method: clinical testing. Allele origin: germline. Affected: yes.
Comment: Not observed at significant frequency in large population cohorts (Lek et al., 2016); In silico analysis supports that this missense variant has a deleterious effect on protein structure/function; Has not been previously published as pathogenic or benign to our knowledge; This variant is associated with the following publications: (PMID: 27535533)

NM_003070.5(SMARCA2):c.508G>C (p.Gly170Arg)

Gene: SMARCA2 (SWI/SNF related, matrix associated, actin dependent regulator of chromatin, subfamily a, member 2; plus strand). Cytogenetic location: 9p24.3.
Variant type: single nucleotide variant.
Coding change: c.508G>C on transcript NM_003070.5 (MANE Select); coding-DNA position 508, G replaced by C.
Protein change: p.Gly170Arg; replaces glycine 170 with arginine.
Molecular consequence: missense variant.
Genome position (GRCh38, 1-based): chr9:2,039,618, G>C. VCF-style: chr9-2039618-G-C. GRCh37 (hg19) VCF-style: chr9-2039618-G-C.
Other names: c.508G>C, p.Gly170Arg (NM_001289396.2, NM_001289397.2, NM_139045.4); short protein forms G170R.
Identifiers: ClinVar variation 1327907 (VCV001327907.2), dbSNP rs2130246879, ClinGen allele CA372780058.